The following is an entry in ClinVar:

NM_016507.4(CDK12):c.1837G>A (p.Val613Ile)

Gene: CDK12 (cyclin dependent kinase 12; plus strand). Cytogenetic location: 17q12.
Variant type: single nucleotide variant.
Coding change: c.1837G>A on transcript NM_016507.4 (MANE Select); coding-DNA position 1837, G replaced by A.
Protein change: p.Val613Ile; replaces valine 613 with isoleucine.
Molecular consequence: missense variant.
Genome position (GRCh38, 1-based): chr17:39,471,669, G>A. VCF-style: chr17-39471669-G-A. GRCh37 (hg19) VCF-style: chr17-37627922-G-A.
Other names: c.1837G>A, p.Val613Ile (NM_015083.4); short protein forms V613I.
Identifiers: ClinVar variation 3830620 (VCV003830620.1).

ClinVar aggregate classification (germline): Uncertain significance (1 of 4 stars; one submission).

gnomAD v4.1: 3 of 1,613,956 alleles (0.00019%); highest among the groups gnomAD compares: Non-Finnish European, 0.00025%; no homozygotes.

Submission:

Ambry Genetics
Classification: Uncertain significance. Last evaluated: 2025-02-07. Review status: criteria provided, single submitter. Criteria: Ambry Variant Classification Scheme 2023. Collection method: clinical testing. Allele origin: germline.
Comment: The p.V613I variant (also known as c.1837G>A), located in coding exon 2 of the CDK12 gene, results from a G to A substitution at nucleotide position 1837. The valine at codon 613 is replaced by isoleucine, an amino acid with highly similar properties. This amino acid position is conserved. In addition, this alteration is predicted to be tolerated by in silico analysis. Based on the available evidence, the clinical significance of this variant remains unclear.